The following is an entry in ClinVar:

NM_014704.4(CEP104):c.166A>T (p.Ile56Leu)

Gene: CEP104 (centrosomal protein 104; minus strand). Cytogenetic location: 1p36.32.
Variant type: single nucleotide variant.
Coding change: c.166A>T on transcript NM_014704.4 (MANE Select); coding-DNA position 166, A replaced by T.
Protein change: p.Ile56Leu; replaces isoleucine 56 with leucine.
Molecular consequence: missense variant.
Genome position (GRCh38, 1-based): chr1:3,848,729, T>A on the plus strand (A>T on the coding strand, the complement: CEP104 is on the minus strand). VCF-style: chr1-3848729-T-A. GRCh37 (hg19) VCF-style: chr1-3765293-T-A.
Other names: short protein forms I56L.
Identifiers: ClinVar variation 1414061 (VCV001414061.8), dbSNP rs2124693591, ClinGen allele CA338049224.

ClinVar aggregate classification (germline): Uncertain significance (1 of 4 stars; one submission).

Conditions:
Joubert syndrome 25 (JBTS25). Identifiers: Orphanet 475, MedGen C4084842, MONDO:0014770, OMIM 616781.

Submission:

Labcorp Genetics (formerly Invitae), Labcorp
Classification: Uncertain significance for Joubert syndrome 25. Last evaluated: 2020-12-27. Review status: criteria provided, single submitter. Criteria: Invitae Variant Classification Sherloc (09022015). Collection method: clinical testing. Allele origin: germline.
Comment: In summary, the available evidence is currently insufficient to determine the role of this variant in disease. Therefore, it has been classified as a Variant of Uncertain Significance. This sequence change replaces isoleucine with leucine at codon 56 of the CEP104 protein (p.Ile56Leu). The isoleucine residue is highly conserved and there is a small physicochemical difference between isoleucine and leucine. This variant is not present in population databases (ExAC no frequency). This variant has not been reported in the literature in individuals with CEP104-related conditions. Algorithms developed to predict the effect of missense changes on protein structure and function are either unavailable or do not agree on the potential impact of this missense change (SIFT: "Deleterious"; PolyPhen-2: "Benign"; Align-GVGD: "Class C0").